The following is an entry in ClinVar:

NM_170665.4(ATP2A2):c.363A>T (p.Glu121Asp)

Gene: ATP2A2 (ATPase sarcoplasmic/endoplasmic reticulum Ca2+ transporting 2; plus strand). Cytogenetic location: 12q24.11.
Variant type: single nucleotide variant.
Coding change: c.363A>T on transcript NM_170665.4 (MANE Select); coding-DNA position 363, A replaced by T.
Protein change: p.Glu121Asp; replaces glutamic acid 121 with aspartic acid.
Molecular consequence: missense variant.
Genome position (GRCh38, 1-based): chr12:110,296,637, A>T. VCF-style: chr12-110296637-A-T. GRCh37 (hg19) VCF-style: chr12-110734442-A-T.
Other names: c.363A>T, p.Glu121Asp (NM_001681.4); short protein forms E121D.
Identifiers: ClinVar variation 430316 (VCV000430316.2), dbSNP rs1131691899, ClinGen allele CA386915341.

ClinVar aggregate classification (germline): Likely pathogenic (1 of 4 stars; one submission).

Submission:

GeneDx
Classification: Likely pathogenic. Last evaluated: 2016-01-11. Review status: criteria provided, single submitter. Criteria: GeneDx Variant Classification (06012015). Collection method: clinical testing. Allele origin: germline. Affected: yes.
Comment: The E121D variant has not been published as a pathogenic variant, nor has it been reported as a benign variant to our knowledge. It was not observed in approximately 6500 individuals of European and African American ancestry in the NHLBI Exome Sequencing Project, indicating it is not a common benign variant in these populations. The E121D variant is a conservative amino acid substitution that occurs at a position that is conserved across species. In silico analysis is inconsistent in its predictions as to whether or not the variant is damaging to the protein structure/function. Therefore, based on the currently available information, it is unclear whether this variant is a pathogenic variant or a rare benign variant.